The following is an entry in ClinVar:

ClinVar aggregate classification (germline): Uncertain significance (1 of 4 stars; one submission).

Conditions:
Glycogen storage disease, type IV (GSD4). Also called: Glycogen storage disease due to glycogen branching enzyme deficiency; AMYLOPECTINOSIS; ANDERSEN DISEASE; BRANCHER DEFICIENCY; CIRRHOSIS, FAMILIAL, WITH DEPOSITION OF ABNORMAL GLYCOGEN; GBE1 DEFICIENCY. Identifiers: Orphanet 367, MedGen C0017923, MONDO:0009292, OMIM 232500.

gnomAD v4.1: 1 of 1,605,676 alleles (0.000062%); highest among the groups gnomAD compares: Non-Finnish European, 0.000085%; no homozygotes.

Submission:

Myriad Genetics, Inc.
Classification: Uncertain significance for Glycogen storage disease, type IV. Last evaluated: 2025-10-09. Review status: criteria provided, single submitter. Criteria: Myriad Autosomal Dominant, Autosomal Recessive and X-Linked Classification Criteria (2023). Collection method: clinical testing. Allele origin: unknown.
Comment: NM_000158.3(GBE1):c.1137A>C(E379D) is a missense variant classified as a variant of uncertain significance in the context of glycogen storage disease, GBE1-related. E379D has not been observed in cases with relevant disease. Relevant functional assessments of this variant are not available in the literature. E379D has been observed in referenced population frequency databases. In summary, there is insufficient evidence to classify NM_000158.3(GBE1):c.1137A>C(E379D) as pathogenic or benign. Please note: this variant was assessed in the context of healthy population screening.

NM_000158.4(GBE1):c.1137A>C (p.Glu379Asp)

Gene: GBE1 (1,4-alpha-glucan branching enzyme 1; minus strand). Cytogenetic location: 3p12.2.
Variant type: single nucleotide variant.
Coding change: c.1137A>C on transcript NM_000158.4 (MANE Select); coding-DNA position 1137, A replaced by C.
Protein change: p.Glu379Asp; replaces glutamic acid 379 with aspartic acid.
Molecular consequence: missense variant.
Genome position (GRCh38, 1-based): chr3:81,591,136, T>G on the plus strand (A>C on the coding strand, the complement: GBE1 is on the minus strand). VCF-style: chr3-81591136-T-G. GRCh37 (hg19) VCF-style: chr3-81640287-T-G.
Other names: short protein forms E379D.
Identifiers: ClinVar variation 5003472 (VCV005003472.1).
Genomic context (GRCh38, chr3:81,591,136, plus strand): 5'-CAAATGATTTGCCAACATGAGGTAAGTCAAGGCATCTTCATCTACTTGTAGTCCGAAATA[T>G]TCACTGTAATCACCTGAGAAACCTTGACCTTAGAAAAAGAAAATCAATACGGATATATTA-3'
Protein context (NP_000149.4, residues 369-389): VGQGFSGDYS[Glu379Asp]YFGLQVDEDA